The following is an entry in ClinVar:

NM_001201402.2(GALC):c.62T>C (p.Ile21Thr)

Gene: GALC (galactosylceramidase; minus strand). Cytogenetic location: 14q31.3.
Variant type: single nucleotide variant.
Coding change: c.62T>C on transcript NM_001201402.2; coding-DNA position 62, T replaced by C.
Protein change: p.Ile21Thr; replaces isoleucine 21 with threonine.
Molecular consequence: missense variant. On other transcripts: 5 prime UTR variant (1).
Genome position (GRCh38, 1-based): chr14:87,993,438, A>G on the plus strand (T>C on the coding strand, the complement: GALC is on the minus strand). VCF-style: chr14-87993438-A-G. GRCh37 (hg19) VCF-style: chr14-88459782-A-G.
Other names: c.-528T>C (NM_001424076.1); short protein forms I21T.
Identifiers: ClinVar variation 2627504 (VCV002627504.1), dbSNP rs2503551992, ClinGen allele CA390772463.

ClinVar aggregate classification (germline): Uncertain significance (1 of 4 stars; one submission).

Conditions:
Galactosylceramide beta-galactosidase deficiency. Also called: GALACTOCEREBROSIDASE DEFICIENCY; GALC DEFICIENCY; GLOBOID CELL LEUKOENCEPHALOPATHY; Leukodystrophy, Globoid Cell; Krabbe Disease. Identifiers: Orphanet 487, MedGen C0023521, MONDO:0009499, OMIM 245200.

Allele frequency attached by ClinVar (database versions not stated): gnomAD exomes below 0.00001.
gnomAD v4.1: 3 of 1,535,830 alleles (0.0002%); highest among the groups gnomAD compares: East Asian, 0.0024%; no homozygotes.

Submission:

Neuberg Centre For Genomic Medicine, NCGM
Classification: Uncertain significance for Galactosylceramide beta-galactosidase deficiency. Review status: criteria provided, single submitter. Criteria: ACMG Guidelines, 2015. Collection method: clinical testing. Allele origin: germline. Inheritance: Autosomal recessive inheritance. Affected: yes.
Comment: The missense variant p.I21T in GALC (NM_001201402.2) has not been reported previously as a pathogenic variant nor as a benign variant, to our knowledge. The p.I21T variant is novel (not in any individuals) in gnomAD Exomes and is novel (not in any individuals) in 1000 Genomes. There is a moderate physicochemical difference between isoleucine and threonine. The nucleotide c.62 in GALC is not conserved according to a GERP++ and PhyloP analysis of 100 vertebrates. For these reasons, this variant has been classified as Uncertain Significance.